The following is an entry in ClinVar:

ClinVar aggregate classification (germline): Conflicting classifications of pathogenicity. Review status: criteria provided, conflicting classifications (1 of 4 stars). 2 submissions from 2 submitters: Uncertain significance (1); Likely benign (1). Last evaluated 2024-12-24.

Allele frequency attached by ClinVar (database versions not stated): gnomAD exomes below 0.00001; gnomAD 0.00001; ExAC 0.00003.
gnomAD v4.1: 8 of 1,609,236 alleles (0.0005%); highest among the groups gnomAD compares: East Asian, 0.011%; no homozygotes.

Submissions (2):

Ambry Genetics
Classification: Uncertain significance. Last evaluated: 2024-12-24. Review status: criteria provided, single submitter. Criteria: Ambry Variant Classification Scheme 2023. Collection method: clinical testing. Allele origin: germline.

CeGaT Center for Human Genetics Tuebingen
Classification: Likely benign. Last evaluated: 2022-07-01. Review status: criteria provided, single submitter. Criteria: CeGaT Center For Human Genetics Tuebingen Variant Classification Criteria Version 2. Collection method: clinical testing. Allele origin: germline. Affected: yes. Observed: 1 variant allele.
Comment: FLG2: BP4

NM_001014342.3(FLG2):c.6644G>A (p.Gly2215Asp)

Genes: CCDST (cervical cancer associated DHX9 suppressive transcript; plus strand), FLG2 (filaggrin 2; minus strand). Cytogenetic location: 1q21.3.
Variant type: single nucleotide variant.
Coding change: c.6644G>A on transcript NM_001014342.3 (MANE Select); coding-DNA position 6644, G replaced by A.
Protein change: p.Gly2215Asp; replaces glycine 2215 with aspartic acid.
Molecular consequence: missense variant.
Genome position (GRCh38, 1-based): chr1:152,351,142, C>T on the plus strand (G>A on the coding strand, the complement: FLG2 is on the minus strand). VCF-style: chr1-152351142-C-T. GRCh37 (hg19) VCF-style: chr1-152323618-C-T.
Other names: c.6644G>A (NM_001014342.2); short protein forms G2215D.
Identifiers: ClinVar variation 2639329 (VCV002639329.25), dbSNP rs755839824, ClinGen allele CA1108232.